The following is an entry in ClinVar:

NM_005546.4(ITK):c.714-3C>T

Gene: ITK (IL2 inducible T cell kinase; plus strand). Cytogenetic location: 5q33.3.
Variant type: single nucleotide variant.
Coding change: c.714-3C>T on transcript NM_005546.4 (MANE Select); 3 bases into the intron before coding-DNA position 714, C replaced by T.
Molecular consequence: intron variant.
Genome position (GRCh38, 1-based): chr5:157,232,337, C>T. VCF-style: chr5-157232337-C-T. GRCh37 (hg19) VCF-style: chr5-156659347-C-T.
Identifiers: ClinVar variation 4741996 (VCV004741996.1).

ClinVar aggregate classification (germline): Uncertain significance (1 of 4 stars; one submission).

Conditions:
Lymphoproliferative syndrome 1 (LPFS1). Identifiers: Orphanet 238505, Orphanet 538963, MedGen C3552634, MONDO:0013081, OMIM 613011.

gnomAD v4.1: 44 of 1,605,984 alleles (0.0027%); highest among the groups gnomAD compares: Non-Finnish European, 0.0037%; no homozygotes.

Submission:

Labcorp Genetics (formerly Invitae), Labcorp
Classification: Uncertain significance for Lymphoproliferative syndrome 1. Last evaluated: 2025-05-19. Review status: criteria provided, single submitter. Criteria: Invitae Variant Classification Sherloc (09022015). Collection method: clinical testing. Allele origin: germline.
Comment: This sequence change falls in intron 7 of the ITK gene. It does not directly change the encoded amino acid sequence of the ITK protein. It affects a nucleotide within the consensus splice site. This variant is present in population databases (rs763671306, gnomAD 0.004%). This variant has not been reported in the literature in individuals affected with ITK-related conditions. Variants that disrupt the consensus splice site are a relatively common cause of aberrant splicing (PMID: 17576681, 9536098). Algorithms developed to predict the effect of sequence changes on RNA splicing suggest that this variant is not likely to affect RNA splicing. In summary, the available evidence is currently insufficient to determine the role of this variant in disease. Therefore, it has been classified as a Variant of Uncertain Significance.

Literature cited by the submitters: PubMed 17576681; PubMed 9536098.